The following is an entry in ClinVar:

NM_020070.4(IGLL1):c.119G>A (p.Arg40His)

Gene: IGLL1 (immunoglobulin lambda like polypeptide 1; minus strand). Cytogenetic location: 22q11.23.
Variant type: single nucleotide variant.
Coding change: c.119G>A on transcript NM_020070.4 (MANE Select); coding-DNA position 119, G replaced by A.
Protein change: p.Arg40His; replaces arginine 40 with histidine.
Molecular consequence: missense variant.
Genome position (GRCh38, 1-based): chr22:23,580,072, C>T on the plus strand (G>A on the coding strand, the complement: IGLL1 is on the minus strand). VCF-style: chr22-23580072-C-T. GRCh37 (hg19) VCF-style: chr22-23922259-C-T.
Other names: c.119G>A, p.Arg40His (NM_001369906.1, NM_152855.3); short protein forms R40H.
Identifiers: ClinVar variation 2911118 (VCV002911118.3), dbSNP rs375103902, ClinGen allele CA10143424.

ClinVar aggregate classification (germline): Uncertain significance (1 of 4 stars; one submission).

Conditions:
Agammaglobulinemia 2, autosomal recessive (AGM2). Also called: AGAMMAGLOBULINEMIA, AUTOSOMAL RECESSIVE, DUE TO IGLL1 DEFECT. Identifiers: MedGen C3150750, MONDO:0013287, OMIM 613500.

Allele frequency attached by ClinVar (database versions not stated): gnomAD 0.00004; TOPMed 0.00003; ESP Exome Variant Server 0.00008; 1000 Genomes Project 30x 0.00016; 1000 Genomes Project 0.00020; ExAC 0.00033.
gnomAD v4.1: 41 of 1,572,530 alleles (0.0026%); highest among the groups gnomAD compares: South Asian, 0.028%; no homozygotes.

Submission:

Labcorp Genetics (formerly Invitae), Labcorp
Classification: Uncertain significance for Agammaglobulinemia 2, autosomal recessive. Last evaluated: 2025-12-22. Review status: criteria provided, single submitter. Criteria: Invitae Variant Classification Sherloc (09022015). Collection method: clinical testing. Allele origin: germline.
Comment: This sequence change replaces arginine, which is basic and polar, with histidine, which is basic and polar, at codon 40 of the IGLL1 protein (p.Arg40His). This variant is present in population databases (rs375103902, gnomAD 0.03%). This variant has not been reported in the literature in individuals affected with IGLL1-related conditions. ClinVar contains an entry for this variant (Variation ID: 2911118). An algorithm developed to predict the effect of missense changes on protein structure and function outputs the following: PolyPhen-2: "Benign". The histidine amino acid residue is found in multiple mammalian species, which suggests that this missense change does not adversely affect protein function. In summary, the available evidence is currently insufficient to determine the role of this variant in disease. Therefore, it has been classified as a Variant of Uncertain Significance.